The following is an entry in ClinVar:

NM_001127222.2(CACNA1A):c.6774C>T (p.His2258=)

Genes: CACNA1A (calcium voltage-gated channel subunit alpha1 A; minus strand), LOC130063717 (ATAC-STARR-seq lymphoblastoid silent region 10203; plus strand). Cytogenetic location: 19p13.13.
Variant type: single nucleotide variant.
Coding change: c.6774C>T on transcript NM_001127222.2 (MANE Select); coding-DNA position 6774, C replaced by T.
Protein change: p.His2258=; no amino-acid change (histidine 2258 retained).
Molecular consequence: synonymous variant.
Genome position (GRCh38, 1-based): chr19:13,208,762, G>A on the plus strand (C>T on the coding strand, the complement: CACNA1A is on the minus strand). VCF-style: chr19-13208762-G-A. GRCh37 (hg19) VCF-style: chr19-13319576-G-A.
Other names: c.6792C>T, p.His2264= (NM_000068.4, NM_023035.3); c.6777C>T, p.His2259= (NM_001127221.2); c.6783C>T, p.His2261= (NM_001174080.2).
Identifiers: ClinVar variation 384496 (VCV000384496.1), dbSNP rs766371895, ClinGen allele CA16607702.

ClinVar aggregate classification (germline): Likely benign (1 of 4 stars; one submission).

gnomAD v4.1: 1 of 1,574,262 alleles (0.000064%); highest among the groups gnomAD compares: Non-Finnish European, 0.000086%; no homozygotes.

Submission:

GeneDx
Classification: Likely benign. Last evaluated: 2016-03-15. Review status: criteria provided, single submitter. Criteria: GeneDx Variant Classification (06012015). Collection method: clinical testing. Allele origin: germline. Affected: yes.
Comment: This variant is considered likely benign or benign based on one or more of the following criteria: it is a conservative change, it occurs at a poorly conserved position in the protein, it is predicted to be benign by multiple in silico algorithms, and/or has population frequency not consistent with disease.